The following is an entry in ClinVar:

NM_001042492.3(NF1):c.5282C>G (p.Ala1761Gly)

Gene: NF1 (neurofibromin 1; plus strand). Cytogenetic location: 17q11.2.
Variant type: single nucleotide variant.
Coding change: c.5282C>G on transcript NM_001042492.3 (MANE Select); coding-DNA position 5282, C replaced by G.
Protein change: p.Ala1761Gly; replaces alanine 1761 with glycine.
Molecular consequence: missense variant.
Genome position (GRCh38, 1-based): chr17:31,327,512, C>G. VCF-style: chr17-31327512-C-G. GRCh37 (hg19) VCF-style: chr17-29654530-C-G.
Other names: c.5219C>G, p.Ala1740Gly (NM_000267.4); short protein forms A1740G, A1761G.
Identifiers: ClinVar variation 961470 (VCV000961470.6), dbSNP rs2069375331, ClinGen allele CA399008926.

ClinVar aggregate classification (germline): Uncertain significance (1 of 4 stars; one submission).

Conditions:
Neurofibromatosis, type 1 (NF1). Also called: Peripheral type neurofibromatosis; VON RECKLINGHAUSEN DISEASE; NEUROFIBROMATOSIS, TYPE I, SOMATIC; Neurofibromatosis, type I. Identifiers: Orphanet 636, MedGen C0027831, MONDO:0018975, OMIM 162200. Disease mechanism: loss of function.

Submission:

Labcorp Genetics (formerly Invitae), Labcorp
Classification: Uncertain significance for Neurofibromatosis, type 1. Last evaluated: 2019-11-14. Review status: criteria provided, single submitter. Criteria: Invitae Variant Classification Sherloc (09022015). Collection method: clinical testing. Allele origin: germline.
Comment: This sequence change replaces alanine with glycine at codon 1740 of the NF1 protein (p.Ala1740Gly). The alanine residue is moderately conserved and there is a small physicochemical difference between alanine and glycine. This variant is not present in population databases (ExAC no frequency). This variant has not been reported in the literature in individuals with NF1-related conditions. Algorithms developed to predict the effect of missense changes on protein structure and function are either unavailable or do not agree on the potential impact of this missense change (SIFT: "Tolerated"; PolyPhen-2: "Probably Damaging"; Align-GVGD: "Class C0"). In summary, the available evidence is currently insufficient to determine the role of this variant in disease. Therefore, it has been classified as a Variant of Uncertain Significance.